The following is an entry in ClinVar:

ClinVar aggregate classification (germline): Pathogenic (1 of 4 stars; one submission).

Conditions:
Familial cancer of breast. Also called: BREAST CANCER, FAMILIAL; Hereditary breast cancer; hereditary breast carcinoma. Identifiers: Orphanet 227535, MedGen C0346153, MONDO:0016419, OMIM 114480. Disease mechanism: loss of function.

Submission:

Myriad Genetics, Inc.
Classification: Pathogenic for Familial cancer of breast. Last evaluated: 2024-01-17. Review status: criteria provided, single submitter. Criteria: Myriad Autosomal Dominant, Autosomal Recessive and X-Linked Classification Criteria (2023). Collection method: clinical testing. Allele origin: unknown.
Comment: This variant is considered pathogenic. This variant creates a termination codon and is predicted to result in premature protein truncation.

NM_000465.4(BARD1):c.1194del (p.Thr398_Leu399insTer)

Gene: BARD1 (BRCA1 associated RING domain 1; minus strand). Cytogenetic location: 2q35.
Variant type: Deletion.
Coding change: c.1194del on transcript NM_000465.4 (MANE Select); coding-DNA position 1194, one base deleted (A; older notation c.1194delA).
Protein change: p.Thr398_Leu399insTer.
Molecular consequence: frameshift variant. On other transcripts: non-coding transcript variant (2), intron variant (3).
Genome position (GRCh38, 1-based): chr2:214,780,680, T deleted on the plus strand (A on the coding strand, the reverse complement: BARD1 is on the minus strand). VCF-style (leftmost placement, unchanged base first): chr2-214780679-AT-A. GRCh37 (hg19) VCF-style: chr2-215645403-AT-A.
Other names: c.1137del, p.Thr379_Leu380insTer (NM_001282543.2); c.159-28125del (NM_001282548.2); c.215+16381del (NM_001282545.2); c.364+11617del (NM_001282549.2).
Identifiers: ClinVar variation 3148678 (VCV003148678.1), dbSNP rs2469502350, ClinGen allele CA2825001076.